The following is an entry in ClinVar:

ClinVar aggregate classification (germline): Uncertain significance (1 of 4 stars; one submission).

Submission:

Labcorp Genetics (formerly Invitae), Labcorp
Classification: Uncertain significance. Last evaluated: 2024-07-06. Review status: criteria provided, single submitter. Criteria: Invitae Variant Classification Sherloc (09022015). Collection method: clinical testing. Allele origin: germline.
Comment: This sequence change replaces arginine, which is basic and polar, with proline, which is neutral and non-polar, at codon 757 of the TCIRG1 protein (p.Arg757Pro). This variant is not present in population databases (gnomAD no frequency). This variant has not been reported in the literature in individuals affected with TCIRG1-related conditions. Advanced modeling of protein sequence and biophysical properties (such as structural, functional, and spatial information, amino acid conservation, physicochemical variation, residue mobility, and thermodynamic stability) performed at Invitae indicates that this missense variant is not expected to disrupt TCIRG1 protein function with a negative predictive value of 80%. In summary, the available evidence is currently insufficient to determine the role of this variant in disease. Therefore, it has been classified as a Variant of Uncertain Significance.

NM_006019.4(TCIRG1):c.2270G>C (p.Arg757Pro)

Gene: TCIRG1 (T cell immune regulator 1, ATPase H+ transporting V0 subunit a3; plus strand). Cytogenetic location: 11q13.2.
Variant type: single nucleotide variant.
Coding change: c.2270G>C on transcript NM_006019.4 (MANE Select); coding-DNA position 2270, G replaced by C.
Protein change: p.Arg757Pro; replaces arginine 757 with proline.
Molecular consequence: missense variant.
Genome position (GRCh38, 1-based): chr11:68,050,520, G>C. VCF-style: chr11-68050520-G-C. GRCh37 (hg19) VCF-style: chr11-67817987-G-C.
Other names: c.1376G>C, p.Arg459Pro (NM_001351059.2); c.1622G>C, p.Arg541Pro (NM_006053.4); short protein forms R459P, R541P, R757P.
Identifiers: ClinVar variation 3628311 (VCV003628311.2).